The following is an entry in ClinVar:

NM_000138.5(FBN1):c.4210+10C>T

Gene: FBN1 (fibrillin 1; minus strand). Cytogenetic location: 15q21.1.
Variant type: single nucleotide variant.
Coding change: c.4210+10C>T on transcript NM_000138.5 (MANE Select); 10 bases into the intron after coding-DNA position 4210, C replaced by T.
Molecular consequence: intron variant.
Genome position (GRCh38, 1-based): chr15:48,474,245, G>A on the plus strand (C>T on the coding strand, the complement: FBN1 is on the minus strand). VCF-style: chr15-48474245-G-A. GRCh37 (hg19) VCF-style: chr15-48766442-G-A.
Identifiers: ClinVar variation 391458 (VCV000391458.14), dbSNP rs200548889, ClinGen allele CA052171.

ClinVar aggregate classification (germline): Benign/Likely benign. Review status: criteria provided, multiple submitters, no conflicts (2 of 4 stars). 4 submissions from 4 submitters: Benign (1); Likely benign (3). Last evaluated 2026-04-15.

Conditions:
Marfan syndrome (MFS). Also called: Marfan syndrome, classic; Marfan syndrome type 1; Marfan's syndrome; MARFAN SYNDROME, TYPE I; FBN1-Related Marfan Syndrome. Identifiers: Orphanet 284963, Orphanet 558, MedGen C0024796, MONDO:0007947, OMIM 154700.
Familial thoracic aortic aneurysm and aortic dissection (TAAD). Also called: Thoracic aortic aneurysms and dissections. Identifiers: Orphanet 91387, MedGen C4707243, MONDO:0019625.
FBN1-related disorder. Also called: FBN1-related disorders.

Allele frequency attached by ClinVar (database versions not stated): gnomAD exomes 0.00006 and 0.00013; 1000 Genomes Project 0.00020; 1000 Genomes Project 30x 0.00016; gnomAD 0.00003; TOPMed 0.00003; ExAC 0.00013.
gnomAD v4.1: 90 of 1,613,934 alleles (0.0056%); highest among the groups gnomAD compares: East Asian, 0.065%; no homozygotes.

Submissions (4):

PreventionGenetics, part of Exact Sciences
Classification: Likely benign for FBN1-related condition. Last evaluated: 2026-04-15. Review status: criteria provided, single submitter. Criteria: ACMG Guidelines, 2015. Collection method: clinical testing. Allele origin: germline.
Comment: This variant is classified as likely benign based on ACMG/AMP sequence variant interpretation guidelines (Richards et al. 2015 PMID: 25741868, with internal and published modifications).

Labcorp Genetics (formerly Invitae), Labcorp
Classification: Benign for Marfan syndrome; Familial thoracic aortic aneurysm and aortic dissection. Last evaluated: 2026-01-30. Review status: criteria provided, single submitter. Criteria: Invitae Variant Classification Sherloc (09022015). Collection method: clinical testing. Allele origin: germline.

Blueprint Genetics
Classification: Likely benign. Last evaluated: 2023-10-12. Review status: criteria provided, single submitter. Criteria: ACMG Guidelines, 2015. Collection method: clinical testing. Allele origin: germline.

GeneDx
Classification: Likely benign. Last evaluated: 2017-06-28. Review status: criteria provided, single submitter. Criteria: GeneDx Variant Classification (06012015). Collection method: clinical testing. Allele origin: germline. Affected: yes.
Comment: This variant is considered likely benign or benign based on one or more of the following criteria: it is a conservative change, it occurs at a poorly conserved position in the protein, it is predicted to be benign by multiple in silico algorithms, and/or has population frequency not consistent with disease.